The following is an entry in ClinVar:

ClinVar aggregate classification (germline): Conflicting classifications of pathogenicity. Review status: criteria provided, conflicting classifications (1 of 4 stars). 2 submissions from 2 submitters: Uncertain significance (1); Likely benign (1). Last evaluated 2024-02-09.

Conditions:
Cardiovascular phenotype. Identifiers: MedGen CN230736.

Allele frequency attached by ClinVar (database versions not stated): ESP Exome Variant Server 0.00008; gnomAD 0.00015; ExAC 0.00020; 1000 Genomes Project 30x 0.00031; 1000 Genomes Project 0.00040.
gnomAD v4.1: 124 of 1,613,104 alleles (0.0077%); highest among the groups gnomAD compares: East Asian, 0.11%; no homozygotes.

Submissions (2):

Ambry Genetics
Classification: Likely benign for Cardiovascular phenotype. Last evaluated: 2024-02-09. Review status: criteria provided, single submitter. Criteria: Ambry Variant Classification Scheme 2023. Collection method: clinical testing. Allele origin: germline.

Labcorp Genetics (formerly Invitae), Labcorp
Classification: Uncertain significance. Last evaluated: 2022-06-24. Review status: criteria provided, single submitter. Criteria: Invitae Variant Classification Sherloc (09022015). Collection method: clinical testing. Allele origin: germline.
Comment: This sequence change replaces aspartic acid, which is acidic and polar, with asparagine, which is neutral and polar, at codon 433 of the LMF1 protein (p.Asp433Asn). The frequency data for this variant in the population databases is considered unreliable, as metrics indicate poor data quality at this position in the gnomAD database. This variant has not been reported in the literature in individuals affected with LMF1-related conditions. Algorithms developed to predict the effect of missense changes on protein structure and function (SIFT, PolyPhen-2, Align-GVGD) all suggest that this variant is likely to be tolerated. In summary, the available evidence is currently insufficient to determine the role of this variant in disease. Therefore, it has been classified as a Variant of Uncertain Significance.

Literature cited by the submitters: PubMed 32190547 (cited by Ambry Genetics); PubMed 36413997 (cited by Ambry Genetics).

NM_022773.4(LMF1):c.1297G>A (p.Asp433Asn)

Gene: LMF1 (lipase maturation factor 1; minus strand). Cytogenetic location: 16p13.3.
Variant type: single nucleotide variant.
Coding change: c.1297G>A on transcript NM_022773.4 (MANE Select); coding-DNA position 1297, G replaced by A.
Protein change: p.Asp433Asn; replaces aspartic acid 433 with asparagine.
Molecular consequence: missense variant. On other transcripts: non-coding transcript variant (1).
Genome position (GRCh38, 1-based): chr16:870,002, C>T on the plus strand (G>A on the coding strand, the complement: LMF1 is on the minus strand). VCF-style: chr16-870002-C-T. GRCh37 (hg19) VCF-style: chr16-920002-C-T.
Other names: c.646G>A, p.Asp216Asn (NM_001352017.2, NM_001352021.2); c.898G>A, p.Asp300Asn (NM_001352018.2); c.970G>A, p.Asp324Asn (NM_001352019.2); c.1297G>A, p.Asp433Asn (NM_001352020.1); c.1297G>A (NM_022773.2); short protein forms D300N, D324N, D216N, D433N.
Identifiers: ClinVar variation 2077435 (VCV002077435.3), dbSNP rs201927375, ClinGen allele CA7797072.